The following is an entry in ClinVar:

NM_000038.6(APC):c.5821C>T (p.Pro1941Ser)

Gene: APC (APC regulator of Wnt signaling pathway; plus strand). Cytogenetic location: 5q22.2.
Variant type: single nucleotide variant.
Coding change: c.5821C>T on transcript NM_000038.6 (MANE Select); coding-DNA position 5821, C replaced by T.
Protein change: p.Pro1941Ser; replaces proline 1941 with serine.
Molecular consequence: missense variant.
Genome position (GRCh38, 1-based): chr5:112,841,415, C>T. VCF-style: chr5-112841415-C-T. GRCh37 (hg19) VCF-style: chr5-112177112-C-T.
Other names: c.5821C>T, p.Pro1941Ser (NM_001127510.3, NM_001354895.2); c.5767C>T, p.Pro1923Ser (NM_001127511.3); c.5875C>T, p.Pro1959Ser (NM_001354896.2); c.5851C>T, p.Pro1951Ser (NM_001354897.2); c.5746C>T, p.Pro1916Ser (NM_001354898.2); c.5737C>T, p.Pro1913Ser (NM_001354899.2); c.5698C>T, p.Pro1900Ser (NM_001354900.2); c.5644C>T, p.Pro1882Ser (NM_001354901.2); and 5 more; short protein forms P1923S, P1941S, P1658S, P1815S, P1850S, P1882S, P1913S, P1916S.
Identifiers: ClinVar variation 411490 (VCV000411490.14), dbSNP rs747289299, ClinGen allele CA16034066.

ClinVar aggregate classification (germline): Uncertain significance. Review status: criteria provided, multiple submitters, no conflicts (2 of 4 stars). 2 submissions from 2 submitters: Uncertain significance (2). Last evaluated 2025-11-17.

Conditions:
Familial adenomatous polyposis 1 (FAP1). Also called: FAMILIAL ADENOMATOUS POLYPOSIS 1, ATTENUATED; POLYPOSIS, ADENOMATOUS INTESTINAL. Identifiers: MedGen C2713442, MONDO:0021056, OMIM 175100. Disease mechanism: loss of function.
Hereditary cancer-predisposing syndrome. Also called: Tumor predisposition; Hereditary Cancer Syndrome; Hereditary neoplastic syndrome; Neoplastic Syndromes, Hereditary. Identifiers: Orphanet 140162, MedGen C0027672, MeSH D009386, MONDO:0015356.

Submissions (2):

Labcorp Genetics (formerly Invitae), Labcorp
Classification: Uncertain significance for Familial adenomatous polyposis 1. Last evaluated: 2025-11-17. Review status: criteria provided, single submitter. Criteria: Invitae Variant Classification Sherloc (09022015). Collection method: clinical testing. Allele origin: germline.
Comment: This sequence change replaces proline, which is neutral and non-polar, with serine, which is neutral and polar, at codon 1941 of the APC protein (p.Pro1941Ser). This variant is not present in population databases (gnomAD no frequency). This variant has not been reported in the literature in individuals affected with APC-related conditions. ClinVar contains an entry for this variant (Variation ID: 411490). Invitae Evidence Modeling of protein sequence and biophysical properties (such as structural, functional, and spatial information, amino acid conservation, physicochemical variation, residue mobility, and thermodynamic stability) indicates that this missense variant is not expected to disrupt APC protein function with a negative predictive value of 95%. In summary, the available evidence is currently insufficient to determine the role of this variant in disease. Therefore, it has been classified as a Variant of Uncertain Significance.

Ambry Genetics
Classification: Uncertain significance for Hereditary cancer-predisposing syndrome. Last evaluated: 2021-10-28. Review status: criteria provided, single submitter. Criteria: Ambry Variant Classification Scheme 2023. Collection method: clinical testing. Allele origin: germline.
Comment: The p.P1941S variant (also known as c.5821C>T), located in coding exon 15 of the APC gene, results from a C to T substitution at nucleotide position 5821. The proline at codon 1941 is replaced by serine, an amino acid with similar properties. This amino acid position is not well conserved in available vertebrate species. In addition, in silico predictors for this gene do not accurately predict pathogenicity. Since supporting evidence is limited at this time, the clinical significance of this alteration remains unclear.